The following is an entry in ClinVar:

ClinVar aggregate classification (germline): Pathogenic. Review status: criteria provided, multiple submitters, no conflicts (2 of 4 stars). 2 submissions from 2 submitters: Pathogenic (2). Last evaluated 2024-02-29.

Conditions:
Peroxisome biogenesis disorder. Identifiers: Orphanet 79189, MedGen C1832200, MONDO:0019234. Disease mechanism: loss of function.
Peroxisome biogenesis disorder 11A (Zellweger). Also called: Peroxisome biogenesis disorder 11A. Identifiers: Orphanet 912, MedGen C3554000, MONDO:0013949, OMIM 614883.

Allele frequency attached by ClinVar (database versions not stated): TOPMed below 0.00001.

Submissions (2):

Labcorp Genetics (formerly Invitae), Labcorp
Classification: Pathogenic for Peroxisome biogenesis disorder 11A (Zellweger). Last evaluated: 2024-02-29. Review status: criteria provided, single submitter. Criteria: Invitae Variant Classification Sherloc (09022015). Collection method: clinical testing. Allele origin: germline.
Comment: This sequence change creates a premature translational stop signal (p.Gln131*) in the PEX13 gene. It is expected to result in an absent or disrupted protein product. Loss-of-function variants in PEX13 are known to be pathogenic (PMID: 10332040, 21031596). This variant is not present in population databases (gnomAD no frequency). This variant has not been reported in the literature in individuals affected with PEX13-related conditions. ClinVar contains an entry for this variant (Variation ID: 1705035). For these reasons, this variant has been classified as Pathogenic.

Women's Health and Genetics/Laboratory Corporation of America, LabCorp
Classification: Pathogenic for Peroxisome biogenesis disorder. Last evaluated: 2023-12-12. Review status: criteria provided, single submitter. Criteria: LabCorp Variant Classification Summary - May 2015. Collection method: clinical testing. Allele origin: germline.
Comment: Variant summary: PEX13 c.391C>T (p.Gln131X) results in a premature termination codon, predicted to cause absence of the protein due to nonsense mediated decay, which is a commonly known mechanism for disease. The variant was absent in 251366 control chromosomes (gnomAD). To our knowledge, no occurrence of c.391C>T in individuals affected with Peroxisome Biogenesis Disorders, Zellweger Syndrome Spectrum and no experimental evidence demonstrating its impact on protein function have been reported. No submitters have cited clinical-significance assessments for this variant to ClinVar after 2014. Based on the evidence outlined above, the variant was classified as pathogenic.

Literature cited by the submitters: PubMed 10332040 (cited by Labcorp Genetics (formerly Invitae), Labcorp); PubMed 21031596 (cited by Labcorp Genetics (formerly Invitae), Labcorp).

NM_002618.4(PEX13):c.391C>T (p.Gln131Ter)

Gene: PEX13 (peroxisomal biogenesis factor 13; plus strand). Cytogenetic location: 2p15.
Variant type: single nucleotide variant.
Coding change: c.391C>T on transcript NM_002618.4 (MANE Select); coding-DNA position 391, C replaced by T.
Protein change: p.Gln131Ter; replaces glutamine 131 with a stop codon.
Molecular consequence: nonsense.
Genome position (GRCh38, 1-based): chr2:61,031,717, C>T. VCF-style: chr2-61031717-C-T. GRCh37 (hg19) VCF-style: chr2-61258852-C-T.
Other names: short protein forms Q131*.
Identifiers: ClinVar variation 1705035 (VCV001705035.5), dbSNP rs1680453822, ClinGen allele CA346942460.